The following is an entry in ClinVar:

NM_005591.4(MRE11):c.1718G>T (p.Gly573Val)

Gene: MRE11 (MRE11 double strand break repair nuclease; minus strand). Cytogenetic location: 11q21.
Variant type: single nucleotide variant.
Coding change: c.1718G>T on transcript NM_005591.4 (MANE Select); coding-DNA position 1718, G replaced by T.
Protein change: p.Gly573Val; replaces glycine 573 with valine.
Molecular consequence: missense variant.
Genome position (GRCh38, 1-based): chr11:94,447,284, C>A on the plus strand (G>T on the coding strand, the complement: MRE11 is on the minus strand). VCF-style: chr11-94447284-C-A. GRCh37 (hg19) VCF-style: chr11-94180450-C-A.
Other names: c.1718G>T, p.Gly573Val (NM_001330347.2, NM_005590.4); short protein forms G573V.
Identifiers: ClinVar variation 221161 (VCV000221161.13), dbSNP rs587781461, ClinGen allele CA350402.

ClinVar aggregate classification (germline): Uncertain significance. Review status: criteria provided, multiple submitters, no conflicts (2 of 4 stars). 3 submissions from 2 submitters: Uncertain significance (3). Last evaluated 2025-11-12.

Conditions:
Ataxia-telangiectasia-like disorder (ATLD). Identifiers: MedGen C1858391, MONDO:0011457.
Hereditary cancer-predisposing syndrome. Also called: Hereditary neoplastic syndrome; Tumor predisposition; Hereditary Cancer Syndrome; Neoplastic Syndromes, Hereditary. Identifiers: Orphanet 140162, MedGen C0027672, MeSH D009386, MONDO:0015356.

gnomAD v4.1: 1 of 1,614,066 alleles (0.000062%); highest among the groups gnomAD compares: African/African-American, 0.0013%; no homozygotes.

Submissions (3):

Ambry Genetics
Classification: Uncertain significance for Hereditary cancer-predisposing syndrome. Last evaluated: 2025-11-12. Review status: criteria provided, single submitter. Criteria: Ambry Variant Classification Scheme 2023. Collection method: clinical testing. Allele origin: germline.
Comment: The p.G573V variant (also known as c.1718G>T), located in coding exon 14 of the MRE11A gene, results from a G to T substitution at nucleotide position 1718. The glycine at codon 573 is replaced by valine, an amino acid with dissimilar properties. This variant was not reported in population based cohorts in the following databases: Database of Single Nucleotide Polymorphisms (dbSNP), NHLBI Exome Sequencing Project (ESP), and 1000 Genomes Project. In the ESP, this variant was not observed in 6499 samples (12998 alleles) with coverage at this position. To date, this alteration has been detected with an allele frequency of approximately 0.001% (greater than 175000 alleles tested) in our clinical cohort. This amino acid position is highly conserved in available vertebrate species. In addition, the in silico prediction for this alteration is inconclusive. Since supporting evidence is limited at this time, the clinical significance of this alteration remains unclear.

Labcorp Genetics (formerly Invitae), Labcorp
Classification: Uncertain significance for Hereditary cancer-predisposing syndrome. Last evaluated: 2015-11-07. Review status: criteria provided, single submitter. Criteria: Invitae Variant Classification Sherloc (09022015). Collection method: clinical testing. Allele origin: germline.
Comment: This sequence change replaces glycine with valine at codon 573 of the MRE11A protein (p.Gly573Val). The glycine residue is moderately conserved and there is a moderate physicochemical difference between glycine and valine. This variant is not present in population databases (ExAC no frequency) and has not been reported in the literature. Algorithms developed to predict the effect of missense changes on protein structure and function do not agree on the potential impact of this missense change (SIFT: "Tolerated"; PolyPhen-2: "Possibly Damaging"; Align-GVGD: "Class C0"). Algorithms developed to predict the effect of nucleotide changes on mRNA splicing suggest that this variant may alter mRNA splicing, but this prediction has not been confirmed by published transcriptional studies. In summary, this is a novel missense change with uncertain impact on protein function and mRNA splicing. It has been classified as a Variant of Uncertain Significance.

Labcorp Genetics (formerly Invitae), Labcorp
Classification: Uncertain significance for Ataxia-telangiectasia-like disorder. Last evaluated: 2015-11-07. Review status: criteria provided, single submitter. Criteria: Invitae Variant Classification Sherloc (09022015). Collection method: clinical testing. Allele origin: germline.
Comment: This sequence change replaces glycine with valine at codon 573 of the MRE11A protein (p.Gly573Val). The glycine residue is moderately conserved and there is a moderate physicochemical difference between glycine and valine. Algorithms developed to predict the effect of missense changes on protein structure and function do not agree on the potential impact of this missense change (SIFT: "Tolerated"; PolyPhen-2: "Possibly Damaging"; Align-GVGD: "Class C0"). This variant is not present in population databases (ExAC no frequency) and has not been reported in the literature. In summary, this is a novel missense change with uncertain impact on protein function and mRNA splicing. It has been classified as a Variant of Uncertain Significance. Algorithms developed to predict the effect of nucleotide changes on mRNA splicing suggest that this variant may alter mRNA splicing, but this prediction has not been confirmed by published transcriptional studies.